The following is an entry in ClinVar:

NM_002471.4(MYH6):c.5452G>A (p.Glu1818Lys)

Gene: MYH6 (myosin heavy chain 6; minus strand). Cytogenetic location: 14q11.2.
Variant type: single nucleotide variant.
Coding change: c.5452G>A on transcript NM_002471.4 (MANE Select); coding-DNA position 5452, G replaced by A.
Protein change: p.Glu1818Lys; replaces glutamic acid 1818 with lysine.
Molecular consequence: missense variant.
Genome position (GRCh38, 1-based): chr14:23,384,555, C>T on the plus strand (G>A on the coding strand, the complement: MYH6 is on the minus strand). VCF-style: chr14-23384555-C-T. GRCh37 (hg19) VCF-style: chr14-23853764-C-T.
Other names: short protein forms E1818K.
Identifiers: ClinVar variation 4114854 (VCV004114854.2).

ClinVar aggregate classification (germline): Uncertain significance. Review status: criteria provided, multiple submitters, no conflicts (2 of 4 stars). 2 submissions from 2 submitters: Uncertain significance (2). Last evaluated 2025-09-04.

Conditions:
Cardiovascular phenotype. Identifiers: MedGen CN230736.

Submissions (2):

Ambry Genetics
Classification: Uncertain significance for Cardiovascular phenotype. Last evaluated: 2025-09-04. Review status: criteria provided, single submitter. Criteria: Ambry Variant Classification Scheme 2023. Collection method: clinical testing. Allele origin: germline.
Comment: The p.E1818K variant (also known as c.5452G>A), located in coding exon 34 of the MYH6 gene, results from a G to A substitution at nucleotide position 5452. The glutamic acid at codon 1818 is replaced by lysine, an amino acid with similar properties. This amino acid position is conserved. In addition, the in silico prediction for this alteration is inconclusive. Based on the available evidence, the clinical significance of this variant remains unclear.

GeneDx
Classification: Uncertain significance. Last evaluated: 2025-05-11. Review status: criteria provided, single submitter. Criteria: GeneDx Variant Classification Process June 2021. Collection method: clinical testing. Allele origin: germline. Affected: yes.
Comment: Not observed at significant frequency in large population cohorts (gnomAD); In silico analysis supports that this missense variant has a deleterious effect on protein structure/function; Has not been previously published as pathogenic or benign to our knowledge